The following is an entry in ClinVar:

NM_000138.5(FBN1):c.6156G>T (p.Arg2052Ser)

Gene: FBN1 (fibrillin 1; minus strand). Cytogenetic location: 15q21.1.
Variant type: single nucleotide variant.
Coding change: c.6156G>T on transcript NM_000138.5 (MANE Select); coding-DNA position 6156, G replaced by T.
Protein change: p.Arg2052Ser; replaces arginine 2052 with serine.
Molecular consequence: missense variant.
Genome position (GRCh38, 1-based): chr15:48,441,728, C>A on the plus strand (G>T on the coding strand, the complement: FBN1 is on the minus strand). VCF-style: chr15-48441728-C-A. GRCh37 (hg19) VCF-style: chr15-48733925-C-A.
Other names: c.6156G>T, p.Arg2052Ser (NM_001406716.1); short protein forms R2052S.
Identifiers: ClinVar variation 4071607 (VCV004071607.2).

ClinVar aggregate classification (germline): Uncertain significance (1 of 4 stars; one submission).

Submission:

GeneDx
Classification: Uncertain significance. Last evaluated: 2025-10-23. Review status: criteria provided, single submitter. Criteria: GeneDx Variant Classification Process June 2021. Collection method: clinical testing. Allele origin: germline.
Comment: Not observed at significant frequency in large population cohorts (gnomAD); In silico analysis supports that this missense variant has a deleterious effect on protein structure/function; Has not been previously published as pathogenic or benign to our knowledge; Does not affect a cysteine or calcium-binding residue within an EGF-like domain or a TGF-binding protein domain of the FBN1 gene; cysteine substitutions in the EGF-like domains represent the majority of pathogenic missense changes associated with FBN1-related disorders (PMID: 12938084); This variant is associated with the following publications: (PMID: 12938084)